The following is an entry in ClinVar:

NM_000059.4(BRCA2):c.9502-980T>G

Gene: BRCA2 (BRCA2 DNA repair associated; plus strand). Cytogenetic location: 13q13.1.
Variant type: single nucleotide variant.
Coding change: c.9502-980T>G on transcript NM_000059.4 (MANE Select); 980 bases into the intron before coding-DNA position 9502, T replaced by G.
Molecular consequence: intron variant.
Genome position (GRCh38, 1-based): chr13:32,395,918, T>G. VCF-style: chr13-32395918-T-G. GRCh37 (hg19) VCF-style: chr13-32970055-T-G.
Other names: IVS 25-980T>G.
Identifiers: ClinVar variation 209913 (VCV000209913.1), dbSNP rs150075007, ClinGen allele CA276881.

ClinVar aggregate classification (germline): Benign (3 of 4 stars; one submission).

Conditions:
Breast-ovarian cancer, familial, susceptibility to, 2 (BROVCA2). Also called: BRCA2 Hereditary Breast and Ovarian Cancer. Identifiers: Orphanet 145, MedGen C2675520, MONDO:0012933, OMIM 612555. Disease mechanism: loss of function.

Allele frequency attached by ClinVar (database versions not stated): gnomAD exomes 0.00119; TOPMed 0.00185; gnomAD 0.00234; 1000 Genomes Project 0.00559; 1000 Genomes Project 30x 0.00640.
gnomAD v4.1: 335 of 248,632 alleles (0.13%); highest among the groups gnomAD compares: East Asian, 3.4%; 7 homozygotes.

Submission:

Evidence-based Network for the Interpretation of Germline Mutant Alleles (ENIGMA)
Classification: Benign for Breast-ovarian cancer, familial 2. Last evaluated: 2015-01-12. Review status: reviewed by expert panel. Criteria: ENIGMA BRCA1/2 Classification Criteria (2015). Collection method: curation. Allele origin: germline.
Comment: Class 1 not pathogenic based on frequency >1% in an outbred sampleset. Frequency 0.02273 (Asian), derived from 1000 genomes (2012-04-30).